The following is an entry in ClinVar:

NM_000051.4(ATM):c.4265T>C (p.Ile1422Thr)

Gene: ATM (ATM serine/threonine kinase; plus strand). Cytogenetic location: 11q22.3.
Variant type: single nucleotide variant.
Coding change: c.4265T>C on transcript NM_000051.4 (MANE Select); coding-DNA position 4265, T replaced by C.
Protein change: p.Ile1422Thr; replaces isoleucine 1422 with threonine.
Molecular consequence: missense variant.
Genome position (GRCh38, 1-based): chr11:108,289,630, T>C. VCF-style: chr11-108289630-T-C. GRCh37 (hg19) VCF-style: chr11-108160357-T-C.
Other names: c.4265T>C, p.Ile1422Thr (NM_001351834.2); short protein forms I1422T.
Identifiers: ClinVar variation 232436 (VCV000232436.18), dbSNP rs876659764, ClinGen allele CA10579143.
Genomic context (GRCh38, chr11:108,289,630, plus strand): 5'-ACAAGTTTTTACTAAATCTGTTTATTTTCTAGGATTCCTATCAGAAAATTCTTCTTGCCA[T>C]ATGTGAGCAAGCAGCTGAAACAAATAATGTTTATAAGAAGCACAGAATTCTTAAAATATA-3'
Protein context (NP_000042.3, residues 1412-1432): PDSYQKILLA[Ile1422Thr]CEQAAETNNV

ClinVar aggregate classification (germline): Uncertain significance. Review status: criteria provided, multiple submitters, no conflicts (2 of 4 stars). 5 submissions from 5 submitters: Uncertain significance (5). Last evaluated 2025-02-28.

Conditions:
Ataxia-telangiectasia syndrome (AT). Also called: Ataxia telangiectasia (A-T); Ataxia-telangiectasia, complementation group E; LOUIS-BAR SYNDROME; Cerebello-oculocutaneous telangiectasia; Immunodeficiency with ataxia telangiectasia; Ataxia-telangiectasia, complementation group D. Identifiers: Orphanet 100, MedGen C0004135, MONDO:0008840, OMIM 208900.
Hereditary cancer-predisposing syndrome. Also called: Hereditary Cancer Syndrome; Neoplastic Syndromes, Hereditary; Tumor predisposition; Hereditary neoplastic syndrome. Identifiers: Orphanet 140162, MedGen C0027672, MeSH D009386, MONDO:0015356.
Familial cancer of breast. Also called: Hereditary breast cancer; hereditary breast carcinoma; BREAST CANCER, FAMILIAL. Identifiers: Orphanet 227535, MedGen C0346153, MONDO:0016419, OMIM 114480. Disease mechanism: loss of function.

Allele frequency attached by ClinVar (database versions not stated): gnomAD exomes 0.00002.
gnomAD v4.1: 13 of 1,610,152 alleles (0.00081%); highest among the groups gnomAD compares: Non-Finnish European, 0.0011%; no homozygotes.

Submissions (5):

Ambry Genetics
Classification: Uncertain significance for Hereditary cancer-predisposing syndrome. Last evaluated: 2025-02-28. Review status: criteria provided, single submitter. Criteria: Ambry Variant Classification Scheme 2023. Collection method: clinical testing. Allele origin: germline.
Comment: The p.I1422T variant (also known as c.4265T>C), located in coding exon 28 of the ATM gene, results from a T to C substitution at nucleotide position 4265. The isoleucine at codon 1422 is replaced by threonine, an amino acid with similar properties. This variant was reported in 1/5560 prostate cancer cases and in 0/3353 controls of European ancestry (Karlsson Q et al. Eur Urol Oncol, 2021 08;4:570-579). This amino acid position is not well conserved in available vertebrate species. In addition, the in silico prediction for this alteration is inconclusive. Based on the available evidence, the clinical significance of this variant remains unclear.

Labcorp Genetics (formerly Invitae), Labcorp
Classification: Uncertain significance for Ataxia-telangiectasia syndrome. Last evaluated: 2025-02-16. Review status: criteria provided, single submitter. Criteria: Invitae Variant Classification Sherloc (09022015). Collection method: clinical testing. Allele origin: germline.
Comment: This sequence change replaces isoleucine, which is neutral and non-polar, with threonine, which is neutral and polar, at codon 1422 of the ATM protein (p.Ile1422Thr). This variant is not present in population databases (gnomAD no frequency). This missense change has been observed in individual(s) with prostate cancer (PMID: 33436325). ClinVar contains an entry for this variant (Variation ID: 232436). Invitae Evidence Modeling of protein sequence and biophysical properties (such as structural, functional, and spatial information, amino acid conservation, physicochemical variation, residue mobility, and thermodynamic stability) indicates that this missense variant is not expected to disrupt ATM protein function with a negative predictive value of 95%. In summary, the available evidence is currently insufficient to determine the role of this variant in disease. Therefore, it has been classified as a Variant of Uncertain Significance.

Color Diagnostics, LLC DBA Color Health
Classification: Uncertain significance for Hereditary cancer-predisposing syndrome. Last evaluated: 2024-07-26. Review status: criteria provided, single submitter. Criteria: ACMG Guidelines, 2015. Collection method: clinical testing. Allele origin: germline.
Comment: This missense variant replaces isoleucine with threonine at codon 1422 of the ATM protein. Computational prediction suggests that this variant may not impact protein structure and function. To our knowledge, functional studies have not been reported for this variant. This variant has been reported in individuals affected with breast cancer (PMID: 33471991) and prostate cancer (PMID: 33436325). This variant has not been identified in the general population by the Genome Aggregation Database (gnomAD). The available evidence is insufficient to determine the role of this variant in disease conclusively. Therefore, this variant is classified as a Variant of Uncertain Significance.

Baylor Genetics
Classification: Uncertain significance for Familial cancer of breast. Last evaluated: 2022-02-21. Review status: criteria provided, single submitter. Criteria: ACMG Guidelines, 2015. Collection method: clinical testing. Allele origin: unknown.

Sema4
Classification: Uncertain significance for Hereditary cancer-predisposing syndrome. Last evaluated: 2022-01-31. Review status: criteria provided, single submitter. Criteria: Sema4 Curation Guidelines. Collection method: curation. Allele origin: germline.
Comment: The ATM c.4265T>C (p.I1422T) variant has been reported in individuals with breast cancer and prostate cancer (PMID: 33471991, 33436325). It was not observed in the large and broad cohorts of the Genome Aggregation Database (PMID: 32461654). The variant has been reported in ClinVar (Variation ID 232436). Functional studies have not been performed, and in silico predictions of the variant's effect on protein function are inconclusive. The evidence is insufficient to meet ACMG/AMP criteria for classifying the variant as benign or pathogenic. Thus, the clinical significance of this variant is currently uncertain.

Literature cited by the submitters: PubMed 33436325 (cited by 4 submitters); PubMed 33471991 (cited by Color Diagnostics, LLC DBA Color Health and Sema4).